The following is an entry in ClinVar:

ClinVar aggregate classification (germline): Uncertain significance. Review status: criteria provided, multiple submitters, no conflicts (2 of 4 stars). 2 submissions from 2 submitters: Uncertain significance (2). Last evaluated 2023-12-21.

Conditions:
Inborn genetic diseases. Identifiers: MedGen C0950123, MeSH D030342.

Allele frequency attached by ClinVar (database versions not stated): gnomAD 0.00006 and 0.00008; TOPMed 0.00007; ExAC 0.00008; ESP Exome Variant Server 0.00008; gnomAD exomes 0.00009.
gnomAD v4.1: 203 of 1,613,676 alleles (0.013%); highest among the groups gnomAD compares: Non-Finnish European, 0.015%; no homozygotes.

Submissions (2):

Ambry Genetics
Classification: Uncertain significance for Inborn genetic diseases. Last evaluated: 2023-12-21. Review status: criteria provided, single submitter. Criteria: Ambry Variant Classification Scheme 2023. Collection method: clinical testing. Allele origin: germline.

Labcorp Genetics (formerly Invitae), Labcorp
Classification: Uncertain significance. Last evaluated: 2022-07-30. Review status: criteria provided, single submitter. Criteria: Invitae Variant Classification Sherloc (09022015). Collection method: clinical testing. Allele origin: germline.
Comment: This sequence change replaces aspartic acid, which is acidic and polar, with asparagine, which is neutral and polar, at codon 523 of the GPC6 protein (p.Asp523Asn). This variant is present in population databases (rs146990674, gnomAD 0.01%). This variant has not been reported in the literature in individuals affected with GPC6-related conditions. ClinVar contains an entry for this variant (Variation ID: 838569). Algorithms developed to predict the effect of missense changes on protein structure and function (SIFT, PolyPhen-2, Align-GVGD) all suggest that this variant is likely to be tolerated. In summary, the available evidence is currently insufficient to determine the role of this variant in disease. Therefore, it has been classified as a Variant of Uncertain Significance.

NM_005708.5(GPC6):c.1567G>A (p.Asp523Asn)

Gene: GPC6 (glypican 6; plus strand). Cytogenetic location: 13q32.1.
Variant type: single nucleotide variant.
Coding change: c.1567G>A on transcript NM_005708.5 (MANE Select); coding-DNA position 1567, G replaced by A.
Protein change: p.Asp523Asn; replaces aspartic acid 523 with asparagine.
Molecular consequence: missense variant.
Genome position (GRCh38, 1-based): chr13:94,403,116, G>A. VCF-style: chr13-94403116-G-A. GRCh37 (hg19) VCF-style: chr13-95055370-G-A.
Other names: short protein forms D523N.
Identifiers: ClinVar variation 838569 (VCV000838569.7), dbSNP rs146990674, ClinGen allele CA7017220.
Genomic context (GRCh38, chr13:94,403,116, plus strand): 5'-GATGACGTGTGTCCCACGGAGTTTGAGTTTGTCACCACAGAGGCCCCCGCAGTGGATCCC[G>A]ACCGGAGAGAGGTGGACTCTTCTGCAGCCCAGCGTGGCCACTCCCTGCTCTCCTGGTCTC-3'
Protein context (NP_005699.1, residues 513-533): VTTEAPAVDP[Asp523Asn]RREVDSSAAQ